The following is an entry in ClinVar:

ClinVar aggregate classification (germline): Benign. Review status: criteria provided, single submitter (1 of 4 stars). 2 submissions from 2 submitters: Benign (1). 1 of the submissions does not count toward it. Last evaluated 2026-07-01.

Conditions:
SMARCC2-related disorder. Also called: SMARCC2-related condition.

Allele frequency attached by ClinVar (database versions not stated): 1000 Genomes Project 30x 0.00156; 1000 Genomes Project 0.00180; TOPMed 0.00235; gnomAD 0.00249; ExAC 0.00291; ESP Exome Variant Server 0.00361; gnomAD exomes 0.00408.
gnomAD v4.1: 5,959 of 1,543,294 alleles (0.39%); highest among the groups gnomAD compares: Non-Finnish European, 0.48%; 26 homozygotes.

Submissions (2):

CeGaT Center for Human Genetics Tuebingen
Classification: Benign. Last evaluated: 2026-07-01. Review status: criteria provided, single submitter. Criteria: CeGaT Center For Human Genetics Tuebingen Variant Classification Criteria Version 2. Collection method: clinical testing. Allele origin: germline. Affected: yes. Observed: 12 variant alleles.
Comment: SMARCC2: BP4, BP7, BS1, BS2

PreventionGenetics, part of Exact Sciences
Classification: Benign for SMARCC2-related condition. Last evaluated: 2021-06-21. Review status: no assertion criteria provided. Collection method: clinical testing. Allele origin: germline. Not counted in ClinVar's aggregate classification.
Comment: This variant is classified as benign based on ACMG/AMP sequence variant interpretation guidelines (Richards et al. 2015 PMID: 25741868, with internal and published modifications).

NM_001330288.2(SMARCC2):c.81G>A (p.Val27=)

Genes: SMARCC2 (SWI/SNF related BAF chromatin remodeling complex subunit C2; minus strand), LOC130008058 (ATAC-STARR-seq lymphoblastoid silent region 4548; plus strand). Cytogenetic location: 12q13.2.
Variant type: single nucleotide variant.
Coding change: c.81G>A on transcript NM_001330288.2 (MANE Select); coding-DNA position 81, G replaced by A.
Protein change: p.Val27=; no amino-acid change (valine 27 retained).
Molecular consequence: synonymous variant.
Genome position (GRCh38, 1-based): chr12:56,189,381, C>T on the plus strand (G>A on the coding strand, the complement: SMARCC2 is on the minus strand). VCF-style: chr12-56189381-C-T. GRCh37 (hg19) VCF-style: chr12-56583165-C-T.
Other names: c.81G>A, p.Val27= (NM_001130420.3, NM_003075.5, NM_139067.4); c.81G>A (NM_003075.4).
Identifiers: ClinVar variation 2643087 (VCV002643087.25), dbSNP rs148514904, ClinGen allele CA6626515.